The following is an entry in ClinVar:

ClinVar aggregate classification (germline): Uncertain significance. Review status: criteria provided, multiple submitters, no conflicts (2 of 4 stars). 2 submissions from 2 submitters: Uncertain significance (2). Last evaluated 2026-02-19.

Conditions:
Juvenile polyposis syndrome (JPS). Identifiers: Orphanet 2929, MedGen C0345893, MONDO:0017380, OMIM 174900.
Hereditary cancer-predisposing syndrome. Also called: Tumor predisposition; Hereditary neoplastic syndrome; Hereditary Cancer Syndrome; Neoplastic Syndromes, Hereditary. Identifiers: Orphanet 140162, MedGen C0027672, MeSH D009386, MONDO:0015356.

Submissions (2):

Ambry Genetics
Classification: Uncertain significance for Hereditary cancer-predisposing syndrome. Last evaluated: 2026-02-19. Review status: criteria provided, single submitter. Criteria: Ambry Variant Classification Scheme 2023. Collection method: clinical testing. Allele origin: germline.
Comment: The p.A84S variant (also known as c.250G>T), located in coding exon 3 of the BMPR1A gene, results from a G to T substitution at nucleotide position 250. The alanine at codon 84 is replaced by serine, an amino acid with similar properties. This amino acid position is conserved. In addition, the in silico prediction for this alteration is inconclusive. Based on the available evidence, the clinical significance of this variant remains unclear.

Labcorp Genetics (formerly Invitae), Labcorp
Classification: Uncertain significance for Juvenile polyposis syndrome. Last evaluated: 2020-08-01. Review status: criteria provided, single submitter. Criteria: Invitae Variant Classification Sherloc (09022015). Collection method: clinical testing. Allele origin: germline.
Comment: This sequence change replaces alanine with serine at codon 84 of the BMPR1A protein (p.Ala84Ser). The alanine residue is moderately conserved and there is a moderate physicochemical difference between alanine and serine. This variant is not present in population databases (ExAC no frequency). This variant has not been reported in the literature in individuals with BMPR1A-related conditions. Algorithms developed to predict the effect of missense changes on protein structure and function are either unavailable or do not agree on the potential impact of this missense change (SIFT: "Tolerated"; PolyPhen-2: "Probably Damaging"; Align-GVGD: "Class C0"). In summary, the available evidence is currently insufficient to determine the role of this variant in disease. Therefore, it has been classified as a Variant of Uncertain Significance.

NM_004329.3(BMPR1A):c.250G>T (p.Ala84Ser)

Gene: BMPR1A (bone morphogenetic protein receptor type 1A; plus strand). Cytogenetic location: 10q23.2.
Variant type: single nucleotide variant.
Coding change: c.250G>T on transcript NM_004329.3 (MANE Select); coding-DNA position 250, G replaced by T.
Protein change: p.Ala84Ser; replaces alanine 84 with serine.
Molecular consequence: missense variant.
Genome position (GRCh38, 1-based): chr10:86,892,146, G>T. VCF-style: chr10-86892146-G-T. GRCh37 (hg19) VCF-style: chr10-88651903-G-T.
Other names: short protein forms A84S.
Identifiers: ClinVar variation 942474 (VCV000942474.11), dbSNP rs1456980302, ClinGen allele CA377447986.